The following is an entry in ClinVar:

NM_001146079.2(CLDN14):c.*10G>C

Genes: CLDN14 (claudin 14; minus strand), CLDN14-AS1 (CLDN14 antisense RNA 1; plus strand). Cytogenetic location: 21q22.13.
Variant type: single nucleotide variant.
Coding change: c.*10G>C on transcript NM_001146079.2 (MANE Select); 10 bases downstream of the stop codon, G replaced by C.
Molecular consequence: 3 prime UTR variant.
Genome position (GRCh38, 1-based): chr21:36,460,966, C>G on the plus strand (G>C on the coding strand, the complement: CLDN14 is on the minus strand). VCF-style: chr21-36460966-C-G. GRCh37 (hg19) VCF-style: chr21-37833264-C-G.
Other names: c.*10G>C (NM_001146077.2, NM_001146078.3, NM_012130.4 and 1 more transcripts).
Identifiers: ClinVar variation 196574 (VCV000196574.25), dbSNP rs139628442, ClinGen allele CA202447.
Genomic context (GRCh38, chr21:36,460,966, plus strand): 5'-CTGCCTCCATTGACAGTCCCGCCGGGGACCCAGCCCACAGCAGCCCAGGGGAGAAGCAGG[C>G]TGTGGGGACTCACACGTAGTCGTTCAGCCTGTACCCGCTGTGCGTGGCCGAGGTCACTGA-3'

ClinVar aggregate classification (germline): Conflicting classifications of pathogenicity. Review status: criteria provided, conflicting classifications (1 of 4 stars). 7 submissions from 7 submitters: Uncertain significance (1); Benign (2); Likely benign (3). 1 of the submissions does not count toward it. Last evaluated 2026-07-01.

Conditions:
CLDN14-related disorder. Also called: CLDN14-related condition.
Autosomal recessive nonsyndromic hearing loss 29. Identifiers: Orphanet 90636, MedGen C3279660, MONDO:0013537, OMIM 614035.

Allele frequency attached by ClinVar (database versions not stated): 1000 Genomes Project 30x 0.00109; 1000 Genomes Project 0.00120; TOPMed 0.00260; gnomAD exomes 0.00294 and 0.00397; ExAC 0.00311; gnomAD 0.00322 and 0.00336; ESP Exome Variant Server 0.00323.
gnomAD v4.1: 6,241 of 1,611,408 alleles (0.39%); highest among the groups gnomAD compares: Non-Finnish European, 0.46%; 15 homozygotes.

Submissions (7):

CeGaT Center for Human Genetics Tuebingen
Classification: Likely benign. Last evaluated: 2026-07-01. Review status: criteria provided, single submitter. Criteria: CeGaT Center For Human Genetics Tuebingen Variant Classification Criteria Version 2. Collection method: clinical testing. Allele origin: germline. Affected: yes. Observed: 4 variant alleles.
Comment: CLDN14: BS2

Blueprint Genetics
Classification: Likely benign. Last evaluated: 2024-11-28. Review status: criteria provided, single submitter. Criteria: ACMG Guidelines, 2015. Collection method: clinical testing. Allele origin: germline.

GeneDx
Classification: Benign. Last evaluated: 2019-11-25. Review status: criteria provided, single submitter. Criteria: GeneDx Variant Classification Process June 2021. Collection method: clinical testing. Allele origin: germline. Affected: yes.

Illumina Laboratory Services, Illumina
Classification: Uncertain significance for Autosomal recessive nonsyndromic hearing loss 29. Last evaluated: 2018-01-12. Review status: criteria provided, single submitter. Criteria: ICSL Variant Classification Criteria 13 December 2019. Collection method: clinical testing. Allele origin: germline.

Eurofins Ntd Llc (ga)
Classification: Likely benign. Last evaluated: 2015-05-06. Review status: criteria provided, single submitter. Criteria: EGL Classification Definitions 2015. Collection method: clinical testing. Allele origin: germline. Observed: 1 variant allele, 1 heterozygote.

Laboratory for Molecular Medicine, Mass General Brigham Personalized Medicine
Classification: Benign. Last evaluated: 2012-04-30. Review status: criteria provided, single submitter. Criteria: LMM Criteria. Collection method: clinical testing. Allele origin: germline. Observed: 6 variant alleles.
Comment: *10G>C in Exon 03 of CLDN14: This variant is not expected to have clinical signi ficance because it has been identified in 0.4% (25/7020) of European American ch romosomes from a broad population by the NHLBI Exome Sequencing Project (dbSNP rs139628442).

PreventionGenetics, part of Exact Sciences
Classification: Benign for CLDN14-related condition. Last evaluated: 2020-05-29. Review status: no assertion criteria provided. Collection method: clinical testing. Allele origin: germline. Not counted in ClinVar's aggregate classification.
Comment: This variant is classified as benign based on ACMG/AMP sequence variant interpretation guidelines (Richards et al. 2015 PMID: 25741868, with internal and published modifications).